The following is an entry in ClinVar:

ClinVar aggregate classification (germline): Uncertain significance (1 of 4 stars; one submission).

gnomAD v4.1: 1 of 1,612,286 alleles (0.000062%); highest among the groups gnomAD compares: Non-Finnish European, 0.000085%; no homozygotes.

Submission:

Ambry Genetics
Classification: Uncertain significance. Last evaluated: 2024-04-16. Review status: criteria provided, single submitter. Criteria: Ambry Variant Classification Scheme 2023. Collection method: clinical testing. Allele origin: germline.
Comment: The p.P762S variant (also known as c.2284C>T), located in coding exon 19 of the BUB1 gene, results from a C to T substitution at nucleotide position 2284. The proline at codon 762 is replaced by serine, an amino acid with similar properties. This amino acid position is conserved. In addition, this alteration is predicted to be tolerated by in silico analysis. Based on the available evidence, the clinical significance of this variant remains unclear.

NM_004336.5(BUB1):c.2284C>T (p.Pro762Ser)

Gene: BUB1 (BUB1 mitotic checkpoint serine/threonine kinase; minus strand). Cytogenetic location: 2q13.
Variant type: single nucleotide variant.
Coding change: c.2284C>T on transcript NM_004336.5 (MANE Select); coding-DNA position 2284, C replaced by T.
Protein change: p.Pro762Ser; replaces proline 762 with serine.
Molecular consequence: missense variant.
Genome position (GRCh38, 1-based): chr2:110,649,297, G>A on the plus strand (C>T on the coding strand, the complement: BUB1 is on the minus strand). VCF-style: chr2-110649297-G-A. GRCh37 (hg19) VCF-style: chr2-111406874-G-A.
Other names: c.2224C>T, p.Pro742Ser (NM_001278616.2); c.2284C>T, p.Pro762Ser (NM_001278617.2); short protein forms P742S, P762S.
Identifiers: ClinVar variation 3262143 (VCV003262143.1).